The following is an entry in ClinVar:

ClinVar aggregate classification (germline): Likely pathogenic (1 of 4 stars; one submission).

Submission:

Labcorp Genetics (formerly Invitae), Labcorp
Classification: Likely pathogenic. Last evaluated: 2024-06-02. Review status: criteria provided, single submitter. Criteria: Invitae Variant Classification Sherloc (09022015). Collection method: clinical testing. Allele origin: germline.
Comment: This sequence change affects a donor splice site in intron 5 of the EPHB4 gene. It is expected to disrupt RNA splicing. Variants that disrupt the donor or acceptor splice site typically lead to a loss of protein function (PMID: 16199547), and loss-of-function variants in EPHB4 are known to be pathogenic (PMID: 28687708). This variant is not present in population databases (gnomAD no frequency). This variant has not been reported in the literature in individuals affected with EPHB4-related conditions. Algorithms developed to predict the effect of sequence changes on RNA splicing suggest that this variant may disrupt the consensus splice site. In summary, the currently available evidence indicates that the variant is pathogenic, but additional data are needed to prove that conclusively. Therefore, this variant has been classified as Likely Pathogenic.

Literature cited by the submitters: PubMed 16199547; PubMed 28687708.

NM_004444.5(EPHB4):c.964+1G>A

Gene: EPHB4 (EPH receptor B4; minus strand). Cytogenetic location: 7q22.1.
Variant type: single nucleotide variant.
Coding change: c.964+1G>A on transcript NM_004444.5 (MANE Select); the canonical splice donor site of the intron after coding-DNA position 964, G replaced by A.
Molecular consequence: splice donor variant.
Genome position (GRCh38, 1-based): chr7:100,820,140, C>T on the plus strand (G>A on the coding strand, the complement: EPHB4 is on the minus strand). VCF-style: chr7-100820140-C-T. GRCh37 (hg19) VCF-style: chr7-100417762-C-T.
Identifiers: ClinVar variation 2708330 (VCV002708330.3), dbSNP rs2485037567, ClinGen allele CA368577205.
Genomic context (GRCh38, chr7:100,820,140, plus strand): 5'-GTCCACCTCAGAGGTCTGTGACCCCTCCCCAGTGAACTGCACCTGGGTGCTGGTCACTTA[C>T]TGGTGCAGGGTGCACCCCGGGGGTCTGTGCGTGCCCGGAAGTACCCGACGCGGCACTGGC-3'